The following is an entry in ClinVar:

ClinVar aggregate classification (germline): Likely benign. Review status: criteria provided, multiple submitters, no conflicts (2 of 4 stars). 2 submissions from 2 submitters: Likely benign (2). Last evaluated 2025-07-22.

Conditions:
Arrhythmogenic cardiomyopathy with wooly hair and keratoderma. Also called: PALMOPLANTAR KERATODERMA WITH LEFT VENTRICULAR CARDIOMYOPATHY AND WOOLLY HAIR; Carvajal syndrome; Dilated cardiomyopathy with woolly hair and keratoderma; Arrhythmogenic cardiomyopathy with woolly hair and keratoderma. Identifiers: Orphanet 65282, MedGen C1854063, MONDO:0011581, OMIM 605676.
Arrhythmogenic right ventricular dysplasia 8 (ARVD8). Also called: ARRHYTHMOGENIC RIGHT VENTRICULAR DYSPLASIA, FAMILIAL, 8; ARRHYTHMOGENIC RIGHT VENTRICULAR CARDIOMYOPATHY 8; Arrhythmogenic Right Ventricular Dysplasia/Cardiomyopathy 8. Identifiers: MedGen C1843896, MONDO:0011831, OMIM 607450.

Allele frequency attached by ClinVar (database versions not stated): TOPMed below 0.00001; gnomAD exomes 0.00001.
gnomAD v4.1: 14 of 1,613,996 alleles (0.00087%); highest among the groups gnomAD compares: Non-Finnish European, 0.0012%; no homozygotes.

Submissions (2):

Labcorp Genetics (formerly Invitae), Labcorp
Classification: Likely benign for Arrhythmogenic cardiomyopathy with wooly hair and keratoderma; Arrhythmogenic right ventricular dysplasia 8. Last evaluated: 2025-07-22. Review status: criteria provided, single submitter. Criteria: Invitae Variant Classification Sherloc (09022015). Collection method: clinical testing. Allele origin: germline.

All of Us Research Program, National Institutes of Health
Classification: Likely benign for Arrhythmogenic cardiomyopathy with wooly hair and keratoderma. Last evaluated: 2023-10-02. Review status: criteria provided, single submitter. Criteria: ACMG Guidelines, 2015. Collection method: clinical testing. Allele origin: germline. Inheritance: Autosomal dominant inheritance. Observed: 1 variant allele, 1 heterozygote.
Comment: This study involves interpretation of variants in research participants for the purpose of population health screening. Participant phenotype was not available at the time of variant classification. Additional details can be found in publication PMID: 35346344, PMCID: PMC8962531

NM_004415.4(DSP):c.7285C>T (p.Leu2429=)

Gene: DSP (desmoplakin; plus strand). Cytogenetic location: 6p24.3.
Variant type: single nucleotide variant.
Coding change: c.7285C>T on transcript NM_004415.4 (MANE Select); coding-DNA position 7285, C replaced by T.
Protein change: p.Leu2429=; no amino-acid change (leucine 2429 retained).
Molecular consequence: synonymous variant.
Genome position (GRCh38, 1-based): chr6:7,584,547, C>T. VCF-style: chr6-7584547-C-T. GRCh37 (hg19) VCF-style: chr6-7584780-C-T.
Other names: c.5488C>T, p.Leu1830= (NM_001008844.3); c.5956C>T, p.Leu1986= (NM_001319034.2).
Identifiers: ClinVar variation 3073656 (VCV003073656.2), dbSNP rs746987680, ClinGen allele CA133975852.